The following is an entry in ClinVar:

NM_002734.5(PRKAR1A):c.798G>T (p.Thr266=)

Gene: PRKAR1A (protein kinase cAMP-dependent type I regulatory subunit alpha; plus strand). Cytogenetic location: 17q24.2.
Variant type: single nucleotide variant.
Coding change: c.798G>T on transcript NM_002734.5 (MANE Select); coding-DNA position 798, G replaced by T.
Protein change: p.Thr266=; no amino-acid change (threonine 266 retained).
Molecular consequence: synonymous variant.
Genome position (GRCh38, 1-based): chr17:68,528,898, G>T. VCF-style: chr17-68528898-G-T. GRCh37 (hg19) VCF-style: chr17-66525039-G-T.
Other names: c.798G>T, p.Thr266= (NM_001276289.2, NM_001276290.1, NM_001278433.2 and 4 more transcripts); c.798G>T (NM_002734.3).
Identifiers: ClinVar variation 413783 (VCV000413783.21), dbSNP rs201774040, ClinGen allele CA16615976.

ClinVar aggregate classification (germline): Likely benign. Review status: criteria provided, multiple submitters, no conflicts (2 of 4 stars). 3 submissions from 3 submitters: Likely benign (3). Last evaluated 2025-08-01.

Conditions:
Hereditary cancer-predisposing syndrome. Also called: Tumor predisposition; Hereditary neoplastic syndrome; Hereditary Cancer Syndrome; Neoplastic Syndromes, Hereditary. Identifiers: Orphanet 140162, MedGen C0027672, MeSH D009386, MONDO:0015356.
Carney complex, type 1 (CNC1). Also called: CARNEY MYXOMA-ENDOCRINE COMPLEX; CARNEY COMPLEX, TYPE I. Identifiers: Orphanet 1359, MedGen C2607929, MONDO:0008057, OMIM 160980.

Allele frequency attached by ClinVar (database versions not stated): TOPMed 0.00001.
gnomAD v4.1: 1 of 1,613,776 alleles (0.000062%); highest among the groups gnomAD compares: Non-Finnish European, 0.000085%; no homozygotes.

Submissions (3):

CeGaT Center for Human Genetics Tuebingen
Classification: Likely benign. Last evaluated: 2025-08-01. Review status: criteria provided, single submitter. Criteria: CeGaT Center For Human Genetics Tuebingen Variant Classification Criteria Version 2. Collection method: clinical testing. Allele origin: germline. Affected: yes. Observed: 1 variant allele.
Comment: PRKAR1A: BP4, BP7

Labcorp Genetics (formerly Invitae), Labcorp
Classification: Likely benign for Carney complex, type 1. Last evaluated: 2025-05-25. Review status: criteria provided, single submitter. Criteria: Invitae Variant Classification Sherloc (09022015). Collection method: clinical testing. Allele origin: germline.

Ambry Genetics
Classification: Likely benign for Hereditary cancer-predisposing syndrome. Last evaluated: 2023-05-07. Review status: criteria provided, single submitter. Criteria: Ambry Variant Classification Scheme 2023. Collection method: clinical testing. Allele origin: germline.